The following is an entry in ClinVar:

ClinVar aggregate classification (germline): Likely benign (1 of 4 stars; one submission).

Submission:

CeGaT Center for Human Genetics Tuebingen
Classification: Likely benign. Last evaluated: 2025-05-01. Review status: criteria provided, single submitter. Criteria: CeGaT Center For Human Genetics Tuebingen Variant Classification Criteria Version 2. Collection method: clinical testing. Allele origin: germline. Affected: yes. Observed: 1 variant allele.
Comment: SULT1A1: BS2

NM_001055.4(SULT1A1):c.776G>C (p.Gly259Ala)

Gene: SULT1A1 (sulfotransferase family 1A member 1; minus strand). Cytogenetic location: 16p11.2.
Variant type: single nucleotide variant.
Coding change: c.776G>C on transcript NM_001055.4 (MANE Select); coding-DNA position 776, G replaced by C.
Protein change: p.Gly259Ala; replaces glycine 259 with alanine.
Molecular consequence: missense variant.
Genome position (GRCh38, 1-based): chr16:28,605,933, C>G on the plus strand (G>C on the coding strand, the complement: SULT1A1 is on the minus strand). VCF-style: chr16-28605933-C-G. GRCh37 (hg19) VCF-style: chr16-28617254-C-G.
Other names: c.776G>C, p.Gly259Ala (NM_001394421.1, NM_001394422.1, NM_001394423.1 and 5 more transcripts); c.473G>C, p.Gly158Ala (NM_177536.5); short protein forms G158A, G259A.
Identifiers: ClinVar variation 3905051 (VCV003905051.10).